The following is an entry in ClinVar:

ClinVar aggregate classification (germline): Uncertain significance. Review status: criteria provided, multiple submitters, no conflicts (2 of 4 stars). 2 submissions from 2 submitters: Uncertain significance (2). Last evaluated 2024-12-16.

Conditions:
Inborn genetic diseases. Identifiers: MedGen C0950123, MeSH D030342.
PKD1L1-related disorder. Also called: PKD1L1-related condition.

Allele frequency attached by ClinVar (database versions not stated): gnomAD 0.00002; TOPMed 0.00003.
gnomAD v4.1: 3 of 1,614,010 alleles (0.00019%); highest among the groups gnomAD compares: African/African-American, 0.0027%; no homozygotes.

Submissions (2):

PreventionGenetics, part of Exact Sciences
Classification: Uncertain significance for PKD1L1-related condition. Last evaluated: 2024-12-16. Review status: criteria provided, single submitter. Criteria: ACMG Guidelines, 2015. Collection method: clinical testing. Allele origin: germline.
Comment: The PKD1L1 c.4244T>G variant is predicted to result in the amino acid substitution p.Val1415Gly. To our knowledge, this variant has not been reported in the literature or in a large population database (gnomAD), indicating this variant is rare. At this time, the clinical significance of this variant is uncertain due to the absence of conclusive functional and genetic evidence.

Ambry Genetics
Classification: Uncertain significance for Inborn genetic diseases. Last evaluated: 2024-01-08. Review status: criteria provided, single submitter. Criteria: Ambry Variant Classification Scheme 2023. Collection method: clinical testing. Allele origin: germline.

NM_138295.5(PKD1L1):c.4244T>G (p.Val1415Gly)

Gene: PKD1L1 (polycystin 1 like 1, transient receptor potential channel interacting; minus strand). Cytogenetic location: 7p12.3.
Variant type: single nucleotide variant.
Coding change: c.4244T>G on transcript NM_138295.5 (MANE Select); coding-DNA position 4244, T replaced by G.
Protein change: p.Val1415Gly; replaces valine 1415 with glycine.
Molecular consequence: missense variant.
Genome position (GRCh38, 1-based): chr7:47,858,791, A>C on the plus strand (T>G on the coding strand, the complement: PKD1L1 is on the minus strand). VCF-style: chr7-47858791-A-C. GRCh37 (hg19) VCF-style: chr7-47898389-A-C.
Other names: short protein forms V1415G.
Identifiers: ClinVar variation 3213555 (VCV003213555.2), dbSNP rs909181884, ClinGen allele CA158081980.